The following is an entry in ClinVar:

NM_020318.3(PAPPA2):c.1032C>T (p.Thr344=)

Gene: PAPPA2 (pappalysin 2; plus strand). Cytogenetic location: 1q25.2.
Variant type: single nucleotide variant.
Coding change: c.1032C>T on transcript NM_020318.3 (MANE Select); coding-DNA position 1032, C replaced by T.
Protein change: p.Thr344=; no amino-acid change (threonine 344 retained).
Molecular consequence: synonymous variant.
Genome position (GRCh38, 1-based): chr1:176,594,636, C>T. VCF-style: chr1-176594636-C-T. GRCh37 (hg19) VCF-style: chr1-176563772-C-T.
Other names: c.1032C>T, p.Thr344= (NM_021936.3).
Identifiers: ClinVar variation 2639578 (VCV002639578.24), dbSNP rs201643892, ClinGen allele CA1257227.

ClinVar aggregate classification (germline): Likely benign (1 of 4 stars; one submission).

Allele frequency attached by ClinVar (database versions not stated): ESP Exome Variant Server 0.00040.
gnomAD v4.1: 282 of 1,614,186 alleles (0.017%); highest among the groups gnomAD compares: African/African-American, 0.079%; no homozygotes.

Submission:

CeGaT Center for Human Genetics Tuebingen
Classification: Likely benign. Last evaluated: 2023-02-01. Review status: criteria provided, single submitter. Criteria: CeGaT Center For Human Genetics Tuebingen Variant Classification Criteria Version 2. Collection method: clinical testing. Allele origin: germline. Affected: yes. Observed: 1 variant allele.
Comment: PAPPA2: BP4, BP7